The following is an entry in ClinVar:

ClinVar aggregate classification (germline): Uncertain significance (1 of 4 stars; one submission).

Conditions:
Hereditary cancer-predisposing syndrome. Also called: Hereditary neoplastic syndrome; Tumor predisposition; Hereditary Cancer Syndrome; Neoplastic Syndromes, Hereditary. Identifiers: Orphanet 140162, MedGen C0027672, MeSH D009386, MONDO:0015356.

Submission:

Ambry Genetics
Classification: Uncertain significance for Hereditary cancer-predisposing syndrome. Last evaluated: 2023-08-29. Review status: criteria provided, single submitter. Criteria: Ambry Variant Classification Scheme 2023. Collection method: clinical testing. Allele origin: germline.
Comment: The p.V783D variant (also known as c.2348T>A), located in coding exon 14 of the PMS2 gene, results from a T to A substitution at nucleotide position 2348. The valine at codon 783 is replaced by aspartic acid, an amino acid with highly dissimilar properties. This amino acid position is conserved. In addition, the in silico prediction for this alteration is inconclusive. Since supporting evidence is limited at this time, the clinical significance of this alteration remains unclear.

NM_000535.7(PMS2):c.2348T>A (p.Val783Asp)

Gene: PMS2 (PMS1 homolog 2, mismatch repair system component; minus strand). Cytogenetic location: 7p22.1.
Variant type: single nucleotide variant.
Coding change: c.2348T>A on transcript NM_000535.7 (MANE Select); coding-DNA position 2348, T replaced by A.
Protein change: p.Val783Asp; replaces valine 783 with aspartic acid.
Molecular consequence: missense variant. On other transcripts: non-coding transcript variant (1).
Genome position (GRCh38, 1-based): chr7:5,977,685, A>T on the plus strand (T>A on the coding strand, the complement: PMS2 is on the minus strand). VCF-style: chr7-5977685-A-T. GRCh37 (hg19) VCF-style: chr7-6017316-A-T.
Other names: c.2240T>A, p.Val747Asp (NM_001406869.1); c.2225T>A, p.Val742Asp (NM_001406870.1); c.2204T>A, p.Val735Asp (NM_001406871.1); c.1943T>A, p.Val648Asp (NM_001018040.1, NM_001322003.2, NM_001322004.2 and 12 more transcripts); c.2180T>A, p.Val727Asp (NM_001406872.1, NM_001406874.1); c.2150T>A, p.Val717Asp (NM_001406873.1); c.2072T>A, p.Val691Asp (NM_001406875.1); c.2192T>A, p.Val731Asp (NM_001322006.2); and 20 more; short protein forms V382D, V544D, V596D, V612D, V621D, V628D, V845D, V625D.
Identifiers: ClinVar variation 2586345 (VCV002586345.2), dbSNP rs1322895546, ClinGen allele CA366735892.